The following is an entry in ClinVar:

ClinVar aggregate classification (germline): Pathogenic (1 of 4 stars; one submission).

Submission:

GeneDx
Classification: Pathogenic. Last evaluated: 2024-12-13. Review status: criteria provided, single submitter. Criteria: GeneDx Variant Classification Process June 2021. Collection method: clinical testing. Allele origin: germline. Affected: yes.
Comment: Has not been previously published as pathogenic or benign to our knowledge; Not observed at significant frequency in large population cohorts (gnomAD); Frameshift variant predicted to result in protein truncation or nonsense mediated decay in a gene for which loss-of-function is a known mechanism of disease

NM_003239.5(TGFB3):c.517del (p.Ile173fs)

Gene: TGFB3 (transforming growth factor beta 3; minus strand). Cytogenetic location: 14q24.3.
Variant type: Deletion.
Coding change: c.517del on transcript NM_003239.5 (MANE Select); coding-DNA position 517, one base deleted (A; older notation c.517delA).
Protein change: p.Ile173fs; shifts the reading frame from isoleucine 173.
Molecular consequence: frameshift variant.
Genome position (GRCh38, 1-based): chr14:75,971,255, T deleted on the plus strand (A on the coding strand, the reverse complement: TGFB3 is on the minus strand). VCF-style (leftmost placement, unchanged base first): chr14-75971254-AT-A. GRCh37 (hg19) VCF-style: chr14-76437597-AT-A.
Other names: c.517del, p.Ile173fs (NM_001329938.2, NM_001329939.2); c.517delA, p.Ile173Serfs (NM_003239.2); short protein forms I173fs.
Identifiers: ClinVar variation 3903185 (VCV003903185.1).